The following is an entry in ClinVar:

NM_000553.6(WRN):c.29C>T (p.Ala10Val)

Gene: WRN (WRN RecQ like helicase; plus strand). Cytogenetic location: 8p12.
Variant type: single nucleotide variant.
Coding change: c.29C>T on transcript NM_000553.6 (MANE Select); coding-DNA position 29, C replaced by T.
Protein change: p.Ala10Val; replaces alanine 10 with valine.
Molecular consequence: missense variant.
Genome position (GRCh38, 1-based): chr8:31,058,476, C>T. VCF-style: chr8-31058476-C-T. GRCh37 (hg19) VCF-style: chr8-30915992-C-T.
Other names: short protein forms A10V.
Identifiers: ClinVar variation 1007438 (VCV001007438.5), dbSNP rs1254527882, ClinGen allele CA370912062.
Genomic context (GRCh38, chr8:31,058,476, plus strand): 5'-TTTTTGGACTCTGCAAATAGGACATTTCAAAGATGAGTGAAAAAAAATTGGAAACAACTG[C>T]ACAGCAGCGGAAATGTCCTGAATGGATGAATGTGCAGAATAAAAGATGTGCTGTAGAAGA-3'
Protein context (NP_000544.2, residues 1-20): MSEKKLETT[Ala10Val]QQRKCPEWMN

ClinVar aggregate classification (germline): Uncertain significance (1 of 4 stars; one submission).

Conditions:
Werner syndrome (WRN). Identifiers: Orphanet 902, MedGen C0043119, MONDO:0010196, OMIM 277700.

Allele frequency attached by ClinVar (database versions not stated): gnomAD 0.00001; TOPMed 0.00001.
gnomAD v4.1: 1 of 1,613,540 alleles (0.000062%); highest among the groups gnomAD compares: African/African-American, 0.0013%; no homozygotes.

Submission:

Labcorp Genetics (formerly Invitae), Labcorp
Classification: Uncertain significance for Werner syndrome. Last evaluated: 2022-10-03. Review status: criteria provided, single submitter. Criteria: Invitae Variant Classification Sherloc (09022015). Collection method: clinical testing. Allele origin: germline.
Comment: This sequence change replaces alanine, which is neutral and non-polar, with valine, which is neutral and non-polar, at codon 10 of the WRN protein (p.Ala10Val). In summary, the available evidence is currently insufficient to determine the role of this variant in disease. Therefore, it has been classified as a Variant of Uncertain Significance. Algorithms developed to predict the effect of missense changes on protein structure and function are either unavailable or do not agree on the potential impact of this missense change (SIFT: "Not Available"; PolyPhen-2: "Benign"; Align-GVGD: "Not Available"). ClinVar contains an entry for this variant (Variation ID: 1007438). This variant has not been reported in the literature in individuals affected with WRN-related conditions. This variant is not present in population databases (gnomAD no frequency).